The following is an entry in ClinVar:

ClinVar aggregate classification (germline): Uncertain significance (1 of 4 stars; one submission).

gnomAD v4.1: 7 of 1,614,076 alleles (0.00043%); highest among the groups gnomAD compares: Non-Finnish European, 0.00059%; no homozygotes.

Submission:

Dasa
Classification: Uncertain significance. Last evaluated: 2025-05-22. Review status: criteria provided, single submitter. Criteria: DASA Assertion Criteria. Collection method: clinical testing. Allele origin: germline.
Comment: NM_003235.5(TG):c.7046A>G (p.Glu2349Gly) is a missense variant that results in the substitution of glutamic acid with glycine. This variant is rare in population databases. Computational prediction algorithms are consistent with a benign effect. The currently available literature and clinical evidence are not sufficient to establish a definitive association between this variant and the reported condition. Therefore, this variant is classified as a variant of uncertain significance.

NM_003235.5(TG):c.7046A>G (p.Glu2349Gly)

Gene: TG (thyroglobulin; plus strand). Cytogenetic location: 8q24.22.
Variant type: single nucleotide variant.
Coding change: c.7046A>G on transcript NM_003235.5 (MANE Select); coding-DNA position 7046, A replaced by G.
Protein change: p.Glu2349Gly; replaces glutamic acid 2349 with glycine.
Molecular consequence: missense variant.
Genome position (GRCh38, 1-based): chr8:133,029,830, A>G. VCF-style: chr8-133029830-A-G. GRCh37 (hg19) VCF-style: chr8-134042075-A-G.
Other names: short protein forms E2349G.
Identifiers: ClinVar variation 4881429 (VCV004881429.2).